The following is an entry in ClinVar:

NM_005445.4(SMC3):c.2493T>C (p.Tyr831=)

Gene: SMC3 (structural maintenance of chromosomes 3; plus strand). Cytogenetic location: 10q25.2.
Variant type: single nucleotide variant.
Coding change: c.2493T>C on transcript NM_005445.4 (MANE Select); coding-DNA position 2493, T replaced by C.
Protein change: p.Tyr831=; no amino-acid change (tyrosine 831 retained).
Molecular consequence: synonymous variant.
Genome position (GRCh38, 1-based): chr10:110,600,504, T>C. VCF-style: chr10-110600504-T-C. GRCh37 (hg19) VCF-style: chr10-112360262-T-C.
Identifiers: ClinVar variation 159978 (VCV000159978.58), dbSNP rs112525060, ClinGen allele CA272622.

ClinVar aggregate classification (germline): Conflicting classifications of pathogenicity. Review status: criteria provided, conflicting classifications (1 of 4 stars). 6 submissions from 6 submitters: Uncertain significance (1); Likely benign (4). 1 of the submissions does not count toward it. Last evaluated 2025-12-29.

Conditions:
SMC3-related disorder. Also called: SMC3-related condition.
Inborn genetic diseases. Identifiers: MedGen C0950123, MeSH D030342.
Cornelia de Lange syndrome 3 (CDLS3). Also called: SMC3-Related Cornelia de Lange Syndrome; CORNELIA DE LANGE SYNDROME 3 WITH OR WITHOUT MIDLINE BRAIN DEFECTS. Identifiers: Orphanet 199, MedGen C1853099, MONDO:0012555, OMIM 610759.

Allele frequency attached by ClinVar (database versions not stated): gnomAD exomes 0.00004; ExAC 0.00005; TOPMed 0.00005; gnomAD 0.00007 and 0.00008.
gnomAD v4.1: 79 of 1,596,906 alleles (0.0049%); highest among the groups gnomAD compares: Middle Eastern, 0.12%; no homozygotes.

Submissions (6):

Labcorp Genetics (formerly Invitae), Labcorp
Classification: Likely benign for Cornelia de Lange syndrome 3. Last evaluated: 2025-12-29. Review status: criteria provided, single submitter. Criteria: Invitae Variant Classification Sherloc (09022015). Collection method: clinical testing. Allele origin: germline.

Blueprint Genetics
Classification: Likely benign. Last evaluated: 2024-03-01. Review status: criteria provided, single submitter. Criteria: ACMG Guidelines, 2015. Collection method: clinical testing. Allele origin: germline.

CeGaT Center for Human Genetics Tuebingen
Classification: Likely benign. Last evaluated: 2020-01-01. Review status: criteria provided, single submitter. Criteria: CeGaT Center For Human Genetics Tuebingen Variant Classification Criteria Version 2. Collection method: clinical testing. Allele origin: germline. Affected: yes. Observed: 1 variant allele.

Ambry Genetics
Classification: Likely benign for Inborn genetic diseases. Last evaluated: 2016-11-04. Review status: criteria provided, single submitter. Criteria: Ambry Variant Classification Scheme 2023. Collection method: clinical testing. Allele origin: germline.

Genetic Services Laboratory, University of Chicago
Classification: Uncertain significance for Cornelia de Lange syndrome 3. Last evaluated: 2013-03-04. Review status: criteria provided, single submitter. Criteria: ACMG Guidelines, 2007. Collection method: clinical testing. Allele origin: germline. Inheritance: Autosomal dominant inheritance.

PreventionGenetics, part of Exact Sciences
Classification: Likely benign for SMC3-related condition. Last evaluated: 2019-03-01. Review status: no assertion criteria provided. Collection method: clinical testing. Allele origin: germline. Not counted in ClinVar's aggregate classification.
Comment: This variant is classified as likely benign based on ACMG/AMP sequence variant interpretation guidelines (Richards et al. 2015 PMID: 25741868, with internal and published modifications).